The following is an entry in ClinVar:

ClinVar aggregate classification (germline): Benign/Likely benign. Review status: criteria provided, multiple submitters, no conflicts (2 of 4 stars). 3 submissions from 3 submitters: Benign (1); Likely benign (2). Last evaluated 2026-07-22.

Conditions:
Rhabdoid tumor predisposition syndrome 2 (RTPS2). Identifiers: Orphanet 231108, Orphanet 69077, MedGen C2750074, MONDO:0013224, OMIM 613325.

Allele frequency attached by ClinVar (database versions not stated): TOPMed 0.00002; gnomAD 0.00003 and 0.00004; ExAC 0.00002; gnomAD exomes 0.00004.
gnomAD v4.1: 52 of 1,591,722 alleles (0.0033%); highest among the groups gnomAD compares: Middle Eastern, 0.017%; no homozygotes.

Submissions (3):

Myriad Genetics, Inc.
Classification: Benign for Rhabdoid tumor predisposition syndrome 2. Last evaluated: 2026-07-22. Review status: criteria provided, single submitter. Criteria: Myriad Autosomal Dominant, Autosomal Recessive and X-Linked Classification Criteria (2023). Collection method: clinical testing. Allele origin: unknown.
Comment: This variant is considered benign. This variant is intronic and is not expected to impact mRNA splicing. This variant has been observed at a population frequency that is significantly greater than expected given the associated disease prevalence and penetrance.

Labcorp Genetics (formerly Invitae), Labcorp
Classification: Likely benign for Rhabdoid tumor predisposition syndrome 2. Last evaluated: 2025-12-15. Review status: criteria provided, single submitter. Criteria: Invitae Variant Classification Sherloc (09022015). Collection method: clinical testing. Allele origin: germline.

Blueprint Genetics
Classification: Likely benign. Last evaluated: 2024-07-08. Review status: criteria provided, single submitter. Criteria: ACMG Guidelines, 2015. Collection method: clinical testing. Allele origin: germline.

NM_003072.5(SMARCA4):c.4425-18G>A

Gene: SMARCA4 (SWI/SNF related BAF chromatin remodeling complex subunit ATPase 4; plus strand). Cytogenetic location: 19p13.2.
Variant type: single nucleotide variant.
Coding change: c.4425-18G>A on transcript NM_003072.5 (MANE Select); 18 bases into the intron before coding-DNA position 4425, G replaced by A.
Molecular consequence: intron variant.
Genome position (GRCh38, 1-based): chr19:11,058,237, G>A. VCF-style: chr19-11058237-G-A. GRCh37 (hg19) VCF-style: chr19-11168913-G-A.
Other names: c.4425-18G>A (NM_001128844.3); c.4521-18G>A (NM_001128849.3, NM_001387283.1); c.4326-18G>A (NM_001128847.4, NM_001374457.1); c.4335-18G>A (NM_001128845.2); c.4335-21G>A (NM_001128846.2); c.4326-21G>A (NM_001128848.2).
Identifiers: ClinVar variation 1671604 (VCV001671604.10), dbSNP rs769612645, ClinGen allele CA9204744.
Genomic context (GRCh38, chr19:11,058,237, plus strand): 5'-GTGGGAACCTGCTGAGGTGGGGTGGGGGCTCCCGGGTGGGCGGACTCGGGGGTGATAGCC[G>A]CCGGTTCTGCCTTGCAGCAGCAGTGGACGTCAGCTCAGCGAGGTCTTCATCCAGCTGCCC-3'